The following is an entry in ClinVar:

NM_002471.4(MYH6):c.1521T>G (p.Ile507Met)

Gene: MYH6 (myosin heavy chain 6; minus strand). Cytogenetic location: 14q11.2.
Variant type: single nucleotide variant.
Coding change: c.1521T>G on transcript NM_002471.4 (MANE Select); coding-DNA position 1521, T replaced by G.
Protein change: p.Ile507Met; replaces isoleucine 507 with methionine.
Molecular consequence: missense variant.
Genome position (GRCh38, 1-based): chr14:23,400,316, A>C on the plus strand (T>G on the coding strand, the complement: MYH6 is on the minus strand). VCF-style: chr14-23400316-A-C. GRCh37 (hg19) VCF-style: chr14-23869525-A-C.
Other names: short protein forms I507M.
Identifiers: ClinVar variation 432873 (VCV000432873.21), dbSNP rs142410102, ClinGen allele CA7115788.

ClinVar aggregate classification (germline): Uncertain significance. Review status: criteria provided, multiple submitters, no conflicts (2 of 4 stars). 6 submissions from 6 submitters: Uncertain significance (6). Last evaluated 2026-01-27.

Conditions:
Hypertrophic cardiomyopathy 14. Identifiers: MedGen C2750467, MONDO:0013197, OMIM 613251.
Sick sinus syndrome 3, susceptibility to (SSS3). Identifiers: Orphanet 166282, MedGen C3279791, MONDO:0013568, OMIM 614090.
Hypertrophic cardiomyopathy 1 (CMH1). Also called: Familial hypertrophic cardiomyopathy 1; MYH7-Related Familial Hypertrophic Cardiomyopathy. Identifiers: MedGen C3495498, MONDO:0008647, OMIM 192600.
Dilated cardiomyopathy 1EE (CMD1EE). Identifiers: Orphanet 154, MedGen C2750466, MONDO:0013198, OMIM 613252.
Atrial septal defect 3 (ASD3). Identifiers: Orphanet 1478, MedGen C3279790, MONDO:0013567, OMIM 614089.
Cardiovascular phenotype. Identifiers: MedGen CN230736.

Allele frequency attached by ClinVar (database versions not stated): ESP Exome Variant Server 0.00015; TOPMed 0.00025.
gnomAD v4.1: 35 of 1,614,054 alleles (0.0022%); highest among the groups gnomAD compares: African/African-American, 0.037%; no homozygotes.

Submissions (6):

Labcorp Genetics (formerly Invitae), Labcorp
Classification: Uncertain significance for Hypertrophic cardiomyopathy 14. Last evaluated: 2026-01-27. Review status: criteria provided, single submitter. Criteria: Invitae Variant Classification Sherloc (09022015). Collection method: clinical testing. Allele origin: germline.
Comment: This sequence change replaces isoleucine, which is neutral and non-polar, with methionine, which is neutral and non-polar, at codon 507 of the MYH6 protein (p.Ile507Met). This variant is present in population databases (rs142410102, gnomAD 0.06%), and has an allele count higher than expected for a pathogenic variant. This variant has not been reported in the literature in individuals affected with MYH6-related conditions. ClinVar contains an entry for this variant (Variation ID: 432873). Invitae Evidence Modeling of protein sequence and biophysical properties (such as structural, functional, and spatial information, amino acid conservation, physicochemical variation, residue mobility, and thermodynamic stability) indicates that this missense variant is expected to disrupt MYH6 protein function with a positive predictive value of 80%. In summary, the available evidence is currently insufficient to determine the role of this variant in disease. Therefore, it has been classified as a Variant of Uncertain Significance.

Revvity Omics, Revvity
Classification: Uncertain significance. Last evaluated: 2024-12-05. Review status: criteria provided, single submitter. Criteria: ACMG Guidelines, 2015. Collection method: clinical testing. Allele origin: germline.

Ambry Genetics
Classification: Uncertain significance for Cardiovascular phenotype. Last evaluated: 2023-11-01. Review status: criteria provided, single submitter. Criteria: Ambry Variant Classification Scheme 2023. Collection method: clinical testing. Allele origin: germline.
Comment: The p.I507M variant (also known as c.1521T>G), located in coding exon 12 of the MYH6 gene, results from a T to G substitution at nucleotide position 1521. The isoleucine at codon 507 is replaced by methionine, an amino acid with highly similar properties. This amino acid position is highly conserved in available vertebrate species. In addition, this alteration is predicted to be deleterious by in silico analysis. Since supporting evidence is limited at this time, the clinical significance of this alteration remains unclear.

GeneDx
Classification: Uncertain significance. Last evaluated: 2023-09-11. Review status: criteria provided, single submitter. Criteria: GeneDx Variant Classification Process June 2021. Collection method: clinical testing. Allele origin: germline. Affected: yes.
Comment: Has not been previously published as pathogenic or benign to our knowledge; In silico analysis supports that this missense variant has a deleterious effect on protein structure/function

Laboratorio de Genetica e Diagnostico Molecular, Hospital Israelita Albert Einstein
Classification: Uncertain significance for Sick sinus syndrome 3, susceptibility to. Last evaluated: 2021-12-15. Review status: criteria provided, single submitter. Criteria: ACMG Guidelines, 2015. Collection method: clinical testing. Allele origin: germline. Affected: yes.
Comment: ACMG classification criteria: PP3 supporting

Fulgent Genetics
Classification: Uncertain significance for Hypertrophic cardiomyopathy 1; Hypertrophic cardiomyopathy 14; Dilated cardiomyopathy 1EE; Atrial septal defect 3; Sick sinus syndrome 3, susceptibility to. Last evaluated: 2021-07-19. Review status: criteria provided, single submitter. Criteria: ACMG Guidelines, 2015. Collection method: clinical testing. Allele origin: unknown.